The following is an entry in ClinVar:

NM_032608.7(MYO18B):c.434A>G (p.Lys145Arg)

Gene: MYO18B (myosin XVIIIB; plus strand). Cytogenetic location: 22q12.1.
Variant type: single nucleotide variant.
Coding change: c.434A>G on transcript NM_032608.7 (MANE Select); coding-DNA position 434, A replaced by G.
Protein change: p.Lys145Arg; replaces lysine 145 with arginine.
Molecular consequence: missense variant.
Genome position (GRCh38, 1-based): chr22:25,768,350, A>G. VCF-style: chr22-25768350-A-G. GRCh37 (hg19) VCF-style: chr22-26164317-A-G.
Other names: c.434A>G, p.Lys145Arg (NM_001318245.2); short protein forms K145R.
Identifiers: ClinVar variation 1481576 (VCV001481576.5), dbSNP rs775754408, ClinGen allele CA10159580.

ClinVar aggregate classification (germline): Uncertain significance (1 of 4 stars; one submission).

Allele frequency attached by ClinVar (database versions not stated): gnomAD exomes below 0.00001 and 0.00002; gnomAD 0.00001; ExAC 0.00002; TOPMed 0.00002.
gnomAD v4.1: 8 of 1,613,728 alleles (0.0005%); highest among the groups gnomAD compares: Admixed American, 0.012%; no homozygotes.

Submission:

Labcorp Genetics (formerly Invitae), Labcorp
Classification: Uncertain significance. Last evaluated: 2022-10-17. Review status: criteria provided, single submitter. Criteria: Invitae Variant Classification Sherloc (09022015). Collection method: clinical testing. Allele origin: germline.
Comment: This sequence change replaces lysine, which is basic and polar, with arginine, which is basic and polar, at codon 145 of the MYO18B protein (p.Lys145Arg). This variant is present in population databases (rs775754408, gnomAD 0.02%). This variant has not been reported in the literature in individuals affected with MYO18B-related conditions. ClinVar contains an entry for this variant (Variation ID: 1481576). Algorithms developed to predict the effect of missense changes on protein structure and function output the following: SIFT: "Not Available"; PolyPhen-2: "Benign"; Align-GVGD: "Not Available". The arginine amino acid residue is found in multiple mammalian species, which suggests that this missense change does not adversely affect protein function. In summary, the available evidence is currently insufficient to determine the role of this variant in disease. Therefore, it has been classified as a Variant of Uncertain Significance.